The following is an entry in ClinVar:

ClinVar aggregate classification (germline): Uncertain significance (1 of 4 stars; one submission).

Conditions:
Char syndrome (CHAR). Also called: PATENT DUCTUS ARTERIOSUS WITH FACIAL DYSMORPHISM AND ABNORMAL FIFTH DIGITS. Identifiers: Orphanet 46627, MedGen C1868570, MONDO:0008209, OMIM 169100.
Patent ductus arteriosus 2 (PDA2). Identifiers: MedGen C4284595, MONDO:0014878, OMIM 617035.

Submission:

Juno Genomics, Hangzhou Juno Genomics, Inc
Classification: Uncertain significance for Char syndrome; Patent ductus arteriosus 2. Review status: criteria provided, single submitter. Criteria: ACMG Guidelines, 2015. Collection method: clinical testing. Allele origin: germline.
Comment: Absent from controls (or at extremely low frequency if recessive) in Genome Aggregation Database.;Multiple lines of computational evidence support a deleterious effect on the gene or gene product.

NM_003221.4(TFAP2B):c.151T>G (p.Tyr51Asp)

Gene: TFAP2B (transcription factor AP-2 beta; plus strand). Cytogenetic location: 6p12.3.
Variant type: single nucleotide variant.
Coding change: c.151T>G on transcript NM_003221.4 (MANE Select); coding-DNA position 151, T replaced by G.
Protein change: p.Tyr51Asp; replaces tyrosine 51 with aspartic acid.
Molecular consequence: missense variant.
Genome position (GRCh38, 1-based): chr6:50,823,476, T>G. VCF-style: chr6-50823476-T-G. GRCh37 (hg19) VCF-style: chr6-50791189-T-G.
Other names: short protein forms Y51D.
Identifiers: ClinVar variation 5019674 (VCV005019674.2).